The following is an entry in ClinVar:

ClinVar aggregate classification (germline): Conflicting classifications of pathogenicity. Review status: criteria provided, conflicting classifications (1 of 4 stars). 8 submissions from 8 submitters: Uncertain significance (6); Likely benign (2). Last evaluated 2026-08-10.

Conditions:
NPHP3-related Meckel-like syndrome. Also called: GOLDSTON SYNDROME; Meckel syndrome type 7. Identifiers: Orphanet 3032, MedGen C2673885, MONDO:0009966, OMIM 267010.
Renal-hepatic-pancreatic dysplasia 1 (RHPD1). Identifiers: MedGen C3715199, MONDO:0008833, OMIM 208540.
Nephronophthisis 3 (NPHP3). Also called: Adolescent nephronophthisis. Identifiers: Orphanet 655, MedGen C1858392, MONDO:0011456, OMIM 604387.
Optic atrophy. Identifiers: MedGen C0029124, MONDO:0003608, HP:0000648.
Nephronophthisis. Also called: Juvenile Nephronophthisis. Identifiers: Orphanet 655, MedGen C0687120, MONDO:0019005, HP:0000090.
NPHP3-related disorder. Also called: NPHP3-related disorders; NPHP3-related condition. Identifiers: MedGen CN379163.

Allele frequency attached by ClinVar (database versions not stated): TOPMed 0.00007; gnomAD 0.00011 and 0.00013; ESP Exome Variant Server 0.00015; gnomAD exomes 0.00018 and 0.00027; ExAC 0.00026; 1000 Genomes Project 30x 0.00047; 1000 Genomes Project 0.00060.
gnomAD v4.1: 287 of 1,613,136 alleles (0.018%); highest among the groups gnomAD compares: South Asian, 0.14%; no homozygotes.

Submissions (8):

PreventionGenetics, part of Exact Sciences
Classification: Uncertain significance for NPHP3-related condition. Last evaluated: 2026-08-10. Review status: criteria provided, single submitter. Criteria: ACMG Guidelines, 2015. Collection method: clinical testing. Allele origin: germline.
Comment: The NPHP3 c.3662C>T variant is predicted to result in the amino acid substitution p.Ala1221Val. This variant has been reported in an individual with tapeto-retinal degeneration (Olbrich et al. 2003. PubMed ID: 12872122) and in an individual with nephronophthisis (Hoefele et al. 2007. PubMed ID: 17855640). This variant is reported in 0.14% of alleles in individuals of South Asian descent in gnomAD. Although we suspect that this variant is benign, at this time, the clinical significance of this variant is uncertain due to the absence of conclusive functional and genetic evidence.

Labcorp Genetics (formerly Invitae), Labcorp
Classification: Likely benign for Nephronophthisis. Last evaluated: 2026-01-28. Review status: criteria provided, single submitter. Criteria: Invitae Variant Classification Sherloc (09022015). Collection method: clinical testing. Allele origin: germline.

Blueprint Genetics
Classification: Likely benign. Last evaluated: 2024-11-07. Review status: criteria provided, single submitter. Criteria: ACMG Guidelines, 2015. Collection method: clinical testing. Allele origin: germline.

Fulgent Genetics
Classification: Uncertain significance for Renal-hepatic-pancreatic dysplasia 1; NPHP3-related Meckel-like syndrome; Nephronophthisis 3. Last evaluated: 2024-03-13. Review status: criteria provided, single submitter. Criteria: ACMG Guidelines, 2015. Collection method: clinical testing. Allele origin: germline.

GeneDx
Classification: Uncertain significance. Last evaluated: 2022-09-15. Review status: criteria provided, single submitter. Criteria: GeneDx Variant Classification Process June 2021. Collection method: clinical testing. Allele origin: germline. Affected: yes.
Comment: In silico analysis supports that this missense variant has a deleterious effect on protein structure/function; This variant is associated with the following publications: (PMID: 34426522, 12872122, 17855640)

Women's Health and Genetics/Laboratory Corporation of America, LabCorp
Classification: Uncertain significance. Last evaluated: 2022-08-04. Review status: criteria provided, single submitter. Criteria: LabCorp Variant Classification Summary - May 2015. Collection method: clinical testing. Allele origin: germline.
Comment: Variant summary: NPHP3 c.3662C>T (p.Ala1221Val) results in a non-conservative amino acid change in the encoded protein sequence. Five of five in-silico tools predict a damaging effect of the variant on protein function. The variant allele was found at a frequency of 0.00027 in 251448 control chromosomes. This frequency is not significantly higher than expected for a pathogenic variant in NPHP3 causing Joubert Syndrome And Related Disorders (0.00027 vs 0.0004), allowing no conclusion about variant significance. c.3662C>T has been reported in the literature in at least one individual affected with Nephronophthisis (Olbrich_2003, Hoefele_2007). These reports do not provide unequivocal conclusions about association of the variant with Joubert Syndrome And Related Disorders. To our knowledge, no experimental evidence demonstrating an impact on protein function has been reported. Two ClinVar submitters (evaluation after 2014) cite the variant as uncertain significance. Based on the evidence outlined above, the variant was classified as uncertain significance.

Institute of Human Genetics, Univ. Regensburg, Univ. Regensburg
Classification: Uncertain significance for Optic atrophy. Last evaluated: 2022-01-01. Review status: criteria provided, single submitter. Criteria: ACMG Guidelines, 2015. Collection method: clinical testing. Allele origin: germline. Affected: yes.

Eurofins Ntd Llc (ga)
Classification: Uncertain significance. Last evaluated: 2018-08-27. Review status: criteria provided, single submitter. Criteria: EGL ClinVar v180209 classification definitions. Collection method: clinical testing. Allele origin: germline. Observed: 2 variant alleles, 2 heterozygotes.

Literature cited by the submitters: PubMed 17855640 (cited by Women's Health and Genetics/Laboratory Corporation of America, LabCorp and Institute of Human Genetics, Univ. Regensburg, Univ. Regensburg); PubMed 23188109 (cited by Women's Health and Genetics/Laboratory Corporation of America, LabCorp); PubMed 12872122 (cited by Women's Health and Genetics/Laboratory Corporation of America, LabCorp and Institute of Human Genetics, Univ. Regensburg, Univ. Regensburg); PubMed 34426522 (cited by Institute of Human Genetics, Univ. Regensburg, Univ. Regensburg).

NM_153240.5(NPHP3):c.3662C>T (p.Ala1221Val)

Genes: NPHP3-ACAD11 (NPHP3-ACAD11 readthrough (NMD candidate); minus strand), NPHP3 (nephrocystin 3; minus strand). Cytogenetic location: 3q22.1.
Variant type: single nucleotide variant.
Coding change: c.3662C>T on transcript NM_153240.5 (MANE Select); coding-DNA position 3662, C replaced by T.
Protein change: p.Ala1221Val; replaces alanine 1221 with valine.
Molecular consequence: missense variant. On other transcripts: non-coding transcript variant (1).
Genome position (GRCh38, 1-based): chr3:132,683,433, G>A on the plus strand (C>T on the coding strand, the complement: NPHP3 is on the minus strand). VCF-style: chr3-132683433-G-A. GRCh37 (hg19) VCF-style: chr3-132402277-G-A.
Other names: short protein forms A1221V.
Identifiers: ClinVar variation 288174 (VCV000288174.19), dbSNP rs202048210, ClinGen allele CA2621683.